The following is an entry in ClinVar:

NM_152564.5(VPS13B):c.1221A>T (p.Gln407His)

Gene: VPS13B (vacuolar protein sorting 13 homolog B; plus strand). Cytogenetic location: 8q22.2.
Variant type: single nucleotide variant.
Coding change: c.1221A>T on transcript NM_152564.5 (MANE Select); coding-DNA position 1221, A replaced by T.
Protein change: p.Gln407His; replaces glutamine 407 with histidine.
Molecular consequence: missense variant.
Genome position (GRCh38, 1-based): chr8:99,134,646, A>T. VCF-style: chr8-99134646-A-T. GRCh37 (hg19) VCF-style: chr8-100146874-A-T.
Other names: c.1221A>T, p.Gln407His (NM_015243.3, NM_017890.5); short protein forms Q407H.
Identifiers: ClinVar variation 1371538 (VCV001371538.6), dbSNP rs1269344604, ClinGen allele CA371861892.

ClinVar aggregate classification (germline): Uncertain significance (1 of 4 stars; one submission).

Conditions:
Cohen syndrome (COH1). Also called: PEPPER SYNDROME; Cutis verticis gyrata, retinitis pigmentosa, and sensorineural deafness. Identifiers: Orphanet 193, MedGen C0265223, MONDO:0008999, OMIM 216550.

Submission:

Labcorp Genetics (formerly Invitae), Labcorp
Classification: Uncertain significance for Cohen syndrome. Last evaluated: 2024-09-09. Review status: criteria provided, single submitter. Criteria: Invitae Variant Classification Sherloc (09022015). Collection method: clinical testing. Allele origin: germline.
Comment: This sequence change replaces glutamine, which is neutral and polar, with histidine, which is basic and polar, at codon 407 of the VPS13B protein (p.Gln407His). This variant is not present in population databases (gnomAD no frequency). This variant has not been reported in the literature in individuals affected with VPS13B-related conditions. ClinVar contains an entry for this variant (Variation ID: 1371538). Invitae Evidence Modeling of protein sequence and biophysical properties (such as structural, functional, and spatial information, amino acid conservation, physicochemical variation, residue mobility, and thermodynamic stability) indicates that this missense variant is not expected to disrupt VPS13B protein function with a negative predictive value of 80%. In summary, the available evidence is currently insufficient to determine the role of this variant in disease. Therefore, it has been classified as a Variant of Uncertain Significance.